The following is an entry in ClinVar:

ClinVar aggregate classification (germline): Uncertain significance. Review status: criteria provided, multiple submitters, no conflicts (2 of 4 stars). 2 submissions from 2 submitters: Uncertain significance (2). Last evaluated 2025-01-08.

Conditions:
Autosomal recessive severe congenital neutropenia due to CSF3R deficiency. Also called: Neutropenia, severe congenital, 7, autosomal recessive. Identifiers: Orphanet 420702, MedGen C4310764, MONDO:0014865, OMIM 617014.
Inborn genetic diseases. Identifiers: MedGen C0950123, MeSH D030342.

Allele frequency attached by ClinVar (database versions not stated): gnomAD exomes below 0.00001; ExAC 0.00002; TOPMed 0.00003; gnomAD 0.00005; ESP Exome Variant Server 0.00008.
gnomAD v4.1: 14 of 1,614,098 alleles (0.00087%); highest among the groups gnomAD compares: African/African-American, 0.017%; no homozygotes.

Submissions (2):

Labcorp Genetics (formerly Invitae), Labcorp
Classification: Uncertain significance for Autosomal recessive severe congenital neutropenia due to CSF3R deficiency. Last evaluated: 2025-01-08. Review status: criteria provided, single submitter. Criteria: Invitae Variant Classification Sherloc (09022015). Collection method: clinical testing. Allele origin: germline.
Comment: This sequence change replaces proline, which is neutral and non-polar, with serine, which is neutral and polar, at codon 692 of the CSF3R protein (p.Pro692Ser). This variant is present in population databases (rs376317083, gnomAD 0.02%). This variant has not been reported in the literature in individuals affected with CSF3R-related conditions. ClinVar contains an entry for this variant (Variation ID: 2143994). Invitae Evidence Modeling of protein sequence and biophysical properties (such as structural, functional, and spatial information, amino acid conservation, physicochemical variation, residue mobility, and thermodynamic stability) indicates that this missense variant is not expected to disrupt CSF3R protein function with a negative predictive value of 80%. In summary, the available evidence is currently insufficient to determine the role of this variant in disease. Therefore, it has been classified as a Variant of Uncertain Significance.

Ambry Genetics
Classification: Uncertain significance for Inborn genetic diseases. Last evaluated: 2023-10-02. Review status: criteria provided, single submitter. Criteria: Ambry Variant Classification Scheme 2023. Collection method: clinical testing. Allele origin: germline.

NM_000760.4(CSF3R):c.2074C>T (p.Pro692Ser)

Gene: CSF3R (colony stimulating factor 3 receptor; minus strand). Cytogenetic location: 1p34.3.
Variant type: single nucleotide variant.
Coding change: c.2074C>T on transcript NM_000760.4 (MANE Select); coding-DNA position 2074, C replaced by T.
Protein change: p.Pro692Ser; replaces proline 692 with serine.
Molecular consequence: missense variant.
Genome position (GRCh38, 1-based): chr1:36,466,794, G>A on the plus strand (C>T on the coding strand, the complement: CSF3R is on the minus strand). VCF-style: chr1-36466794-G-A. GRCh37 (hg19) VCF-style: chr1-36932395-G-A.
Other names: c.2155C>T, p.Pro719Ser (NM_156039.3); c.2074C>T, p.Pro692Ser (NM_172313.3); c.2074C>T (NM_000760.3); short protein forms P719S, P692S.
Identifiers: ClinVar variation 2143994 (VCV002143994.5), dbSNP rs376317083, ClinGen allele CA768954.